The following is an entry in ClinVar:

ClinVar aggregate classification (germline): Uncertain significance (1 of 4 stars; one submission).

Submission:

Labcorp Genetics (formerly Invitae), Labcorp
Classification: Uncertain significance. Last evaluated: 2022-08-16. Review status: criteria provided, single submitter. Criteria: Invitae Variant Classification Sherloc (09022015). Collection method: clinical testing. Allele origin: germline.
Comment: Experimental studies and prediction algorithms are not available or were not evaluated, and the functional significance of this variant is currently unknown. This sequence change creates a premature translational stop signal (p.Glu680*) in the SAMD9 gene. While this is not anticipated to result in nonsense mediated decay, it is expected to disrupt the last 910 amino acid(s) of the SAMD9 protein. This variant is not present in population databases (gnomAD no frequency). This variant has not been reported in the literature in individuals affected with SAMD9-related conditions. ClinVar contains an entry for this variant (Variation ID: 1382431). In summary, the available evidence is currently insufficient to determine the role of this variant in disease. Therefore, it has been classified as a Variant of Uncertain Significance.

NM_017654.4(SAMD9):c.2038G>T (p.Glu680Ter)

Gene: SAMD9 (sterile alpha motif domain containing 9; minus strand). Cytogenetic location: 7q21.2.
Variant type: single nucleotide variant.
Coding change: c.2038G>T on transcript NM_017654.4 (MANE Select); coding-DNA position 2038, G replaced by T.
Protein change: p.Glu680Ter; replaces glutamic acid 680 with a stop codon.
Molecular consequence: nonsense.
Genome position (GRCh38, 1-based): chr7:93,104,060, C>A on the plus strand (G>T on the coding strand, the complement: SAMD9 is on the minus strand). VCF-style: chr7-93104060-C-A. GRCh37 (hg19) VCF-style: chr7-92733373-C-A.
Other names: c.2038G>T, p.Glu680Ter (NM_001193307.2); short protein forms E680*.
Identifiers: ClinVar variation 1382431 (VCV001382431.6), dbSNP rs2116418522, ClinGen allele CA368193574.